The following is an entry in ClinVar:

NM_015271.5(TRIM2):c.1190G>A (p.Ser397Asn)

Gene: TRIM2 (tripartite motif containing 2; plus strand). Cytogenetic location: 4q31.3.
Variant type: single nucleotide variant.
Coding change: c.1190G>A on transcript NM_015271.5 (MANE Select); coding-DNA position 1190, G replaced by A.
Protein change: p.Ser397Asn; replaces serine 397 with asparagine.
Molecular consequence: missense variant.
Genome position (GRCh38, 1-based): chr4:153,295,716, G>A. VCF-style: chr4-153295716-G-A. GRCh37 (hg19) VCF-style: chr4-154216868-G-A.
Other names: c.1109G>A, p.Ser370Asn (NM_001130067.2, NM_001351056.2, NM_001375512.1 and 5 more transcripts); c.1163G>A, p.Ser388Asn (NM_001351054.2); c.1160G>A, p.Ser387Asn (NM_001351055.2); c.734G>A, p.Ser245Asn (NM_001351057.2); c.1283G>A, p.Ser428Asn (NM_001375488.1); c.1280G>A, p.Ser427Asn (NM_001375489.1); c.1133G>A, p.Ser378Asn (NM_001375490.1); c.1130G>A, p.Ser377Asn (NM_001375491.1); and 3 more; short protein forms S245N, S284N, S285N, S286N, S370N, S377N, S378N, S387N.
Identifiers: ClinVar variation 3626146 (VCV003626146.2).

ClinVar aggregate classification (germline): Uncertain significance (1 of 4 stars; one submission).

Conditions:
Charcot-Marie-Tooth disease type 2R. Also called: Charcot-Marie-Tooth disease, axonal, type 2R; CHARCOT-MARIE-TOOTH NEUROPATHY, TYPE 2R; CHARCOT-MARIE-TOOTH DISEASE, AXONAL, AUTOSOMAL RECESSIVE, TYPE 2R. Identifiers: Orphanet 397968, MedGen C3809655, MONDO:0014208, OMIM 615490.

gnomAD v4.1: 2 of 1,613,970 alleles (0.00012%); highest among the groups gnomAD compares: Admixed American, 0.0033%; no homozygotes.

Submission:

Labcorp Genetics (formerly Invitae), Labcorp
Classification: Uncertain significance for Charcot-Marie-Tooth disease type 2R. Last evaluated: 2025-06-18. Review status: criteria provided, single submitter. Criteria: Invitae Variant Classification Sherloc (09022015). Collection method: clinical testing. Allele origin: germline.
Comment: This sequence change replaces serine, which is neutral and polar, with asparagine, which is neutral and polar, at codon 370 of the TRIM2 protein (p.Ser370Asn). This variant is present in population databases (rs768615924, gnomAD 0.003%). This variant has not been reported in the literature in individuals affected with TRIM2-related conditions. ClinVar contains an entry for this variant (Variation ID: 3626146). An algorithm developed to predict the effect of missense changes on protein structure and function (PolyPhen-2) suggests that this variant is likely to be tolerated. In summary, the available evidence is currently insufficient to determine the role of this variant in disease. Therefore, it has been classified as a Variant of Uncertain Significance.